The following is an entry in ClinVar:

ClinVar aggregate classification (germline): Conflicting classifications of pathogenicity. Review status: criteria provided, conflicting classifications (1 of 4 stars). 3 submissions from 3 submitters: Uncertain significance (2); Likely benign (1). Last evaluated 2024-08-06.

Conditions:
Dilated cardiomyopathy 1G (CMD1G). Identifiers: Orphanet 154, MedGen C1858763, MONDO:0011400, OMIM 604145.
Autosomal recessive limb-girdle muscular dystrophy type 2J (LGMDR10). Also called: Limb-girdle muscular dystrophy, type 2J; MUSCULAR DYSTROPHY, LIMB-GIRDLE, AUTOSOMAL RECESSIVE 10. Identifiers: Orphanet 140922, MedGen C1837342, MONDO:0012127, OMIM 608807.
Cardiovascular phenotype. Identifiers: MedGen CN230736.

Allele frequency attached by ClinVar (database versions not stated): gnomAD exomes below 0.00001; TOPMed 0.00001.
gnomAD v4.1: 2 of 1,614,222 alleles (0.00012%); highest among the groups gnomAD compares: African/African-American, 0.0013%; no homozygotes.

Submissions (3):

Labcorp Genetics (formerly Invitae), Labcorp
Classification: Likely benign for Dilated cardiomyopathy 1G; Autosomal recessive limb-girdle muscular dystrophy type 2J. Last evaluated: 2024-08-06. Review status: criteria provided, single submitter. Criteria: Invitae Variant Classification Sherloc (09022015). Collection method: clinical testing. Allele origin: germline.

Ambry Genetics
Classification: Uncertain significance for Cardiovascular phenotype. Last evaluated: 2020-06-09. Review status: criteria provided, single submitter. Criteria: Ambry Variant Classification Scheme 2023. Collection method: clinical testing. Allele origin: germline.
Comment: The c.1246-5T>C intronic variant results from a T to C substitution 5 nucleotides upstream from coding exon 7 in the TTN gene. This nucleotide position is not well conserved in available vertebrate species. Using the BDGP and ESEfinder splice site prediction tools, this alteration is predicted to weaken the efficiency of the native splice acceptor site; however, direct evidence is unavailable. Since supporting evidence is limited at this time, the clinical significance of this alteration remains unclear.

Laboratory for Molecular Medicine, Mass General Brigham Personalized Medicine
Classification: Uncertain significance. Last evaluated: 2013-09-18. Review status: criteria provided, single submitter. Criteria: LMM Criteria. Collection method: clinical testing. Allele origin: germline. Observed: 1 variant allele.
Comment: The 1246-5T>C variant in TTN has not been reported in individuals with cardiomyo pathy or in large population studies. This variant is located in the 3' splice r egion. Computational tools do not suggest an impact to splicing, though this inf ormation is not predictive enough to rule out pathogenicity. Additional informat ion is needed to fully assess the clinical significance of this variant.

NM_001267550.2(TTN):c.1246-5T>C

Gene: TTN (titin; minus strand). Cytogenetic location: 2q31.2.
Variant type: single nucleotide variant.
Coding change: c.1246-5T>C on transcript NM_001267550.2 (MANE Select); 5 bases into the intron before coding-DNA position 1246, T replaced by C.
Molecular consequence: intron variant.
Genome position (GRCh38, 1-based): chr2:178,794,556, A>G on the plus strand (T>C on the coding strand, the complement: TTN is on the minus strand). VCF-style: chr2-178794556-A-G. GRCh37 (hg19) VCF-style: chr2-179659283-A-G.
Other names: c.1246-5T>C (NM_133378.4, NM_003319.4, NM_133437.4 and 3 more transcripts).
Identifiers: ClinVar variation 166353 (VCV000166353.10), dbSNP rs727503707, ClinGen allele CA179429.